The following is an entry in ClinVar:

NM_032447.5(FBN3):c.6436G>A (p.Gly2146Arg)

Gene: FBN3 (fibrillin 3; minus strand). Cytogenetic location: 19p13.2.
Variant type: single nucleotide variant.
Coding change: c.6436G>A on transcript NM_032447.5 (MANE Select); coding-DNA position 6436, G replaced by A.
Protein change: p.Gly2146Arg; replaces glycine 2146 with arginine.
Molecular consequence: missense variant.
Genome position (GRCh38, 1-based): chr19:8,088,120, C>T on the plus strand (G>A on the coding strand, the complement: FBN3 is on the minus strand). VCF-style: chr19-8088120-C-T. GRCh37 (hg19) VCF-style: chr19-8153004-C-T.
Other names: c.6436G>A (NM_032447.3); c.6436G>A, p.Gly2146Arg (NM_001321431.2); short protein forms G2146R.
Identifiers: ClinVar variation 3626507 (VCV003626507.3).
Genomic context (GRCh38, chr19:8,088,120, plus strand): 5'-CCTCGCAGGTCATCATGAGGCCAGGCTCAAAGCCGTCAGCACAGGCACATTCGAAGCCTC[C>T]GATGACATTGGTGCATGTCCCTTGCCCACAGGGGTGGCCGACAGAGCACTCGTCTGTGTC-3'
Protein context (NP_115823.3, residues 2136-2156): CGQGTCTNVI[Gly2146Arg]GFECACADGF

ClinVar aggregate classification (germline): Uncertain significance. Review status: criteria provided, multiple submitters, no conflicts (2 of 4 stars). 2 submissions from 2 submitters: Uncertain significance (2). Last evaluated 2025-04-09.

gnomAD v4.1: 21 of 1,613,844 alleles (0.0013%); highest among the groups gnomAD compares: Admixed American, 0.0067%; no homozygotes.

Submissions (2):

Ambry Genetics
Classification: Uncertain significance. Last evaluated: 2025-04-09. Review status: criteria provided, single submitter. Criteria: Ambry Variant Classification Scheme 2023. Collection method: clinical testing. Allele origin: germline.

Labcorp Genetics (formerly Invitae), Labcorp
Classification: Uncertain significance. Last evaluated: 2024-03-14. Review status: criteria provided, single submitter. Criteria: Invitae Variant Classification Sherloc (09022015). Collection method: clinical testing. Allele origin: germline.
Comment: This sequence change replaces glycine, which is neutral and non-polar, with arginine, which is basic and polar, at codon 2146 of the FBN3 protein (p.Gly2146Arg). This variant is present in population databases (rs752167961, gnomAD 0.01%). This variant has not been reported in the literature in individuals affected with FBN3-related conditions. Advanced modeling of protein sequence and biophysical properties (such as structural, functional, and spatial information, amino acid conservation, physicochemical variation, residue mobility, and thermodynamic stability) performed at Invitae indicates that this missense variant is expected to disrupt FBN3 protein function with a positive predictive value of 80%. In summary, the available evidence is currently insufficient to determine the role of this variant in disease. Therefore, it has been classified as a Variant of Uncertain Significance.